The following is an entry in ClinVar:

ClinVar aggregate classification (germline): Pathogenic/Likely pathogenic. Review status: criteria provided, multiple submitters, no conflicts (2 of 4 stars). 2 submissions from 2 submitters: Pathogenic (1); Likely pathogenic (1). Last evaluated 2024-02-09.

Conditions:
Autosomal recessive nonsyndromic hearing loss 77. Identifiers: Orphanet 90636, MedGen C2746083, MONDO:0013119, OMIM 613079.

Allele frequency attached by ClinVar (database versions not stated): gnomAD exomes below 0.00001.

Submissions (2):

Fulgent Genetics
Classification: Likely pathogenic for Autosomal recessive nonsyndromic hearing loss 77. Last evaluated: 2024-02-09. Review status: criteria provided, single submitter. Criteria: ACMG Guidelines, 2015. Collection method: clinical testing. Allele origin: germline.

Labcorp Genetics (formerly Invitae), Labcorp
Classification: Pathogenic. Last evaluated: 2022-06-10. Review status: criteria provided, single submitter. Criteria: Invitae Variant Classification Sherloc (09022015). Collection method: clinical testing. Allele origin: germline.
Comment: For these reasons, this variant has been classified as Pathogenic. ClinVar contains an entry for this variant (Variation ID: 1076560). This variant has not been reported in the literature in individuals affected with LOXHD1-related conditions. This variant is not present in population databases (gnomAD no frequency). This sequence change creates a premature translational stop signal (p.Asp636Glufs*5) in the LOXHD1 gene. It is expected to result in an absent or disrupted protein product. Loss-of-function variants in LOXHD1 are known to be pathogenic (PMID: 19732867, 21465660, 25792669).

Literature cited by the submitters: PubMed 19732867 (cited by Labcorp Genetics (formerly Invitae), Labcorp); PubMed 21465660 (cited by Labcorp Genetics (formerly Invitae), Labcorp); PubMed 25792669 (cited by Labcorp Genetics (formerly Invitae), Labcorp).

NM_001384474.1(LOXHD1):c.1908del (p.Asp636fs)

Gene: LOXHD1 (lipoxygenase homology PLAT domains 1; minus strand). Cytogenetic location: 18q21.1.
Variant type: Deletion.
Coding change: c.1908del on transcript NM_001384474.1 (MANE Select); coding-DNA position 1908, one base deleted (C; older notation c.1908delC).
Protein change: p.Asp636fs; shifts the reading frame from aspartic acid 636.
Molecular consequence: frameshift variant.
Genome position (GRCh38, 1-based): chr18:46,577,769, G deleted on the plus strand (C on the coding strand, the reverse complement: LOXHD1 is on the minus strand). VCF-style (leftmost placement, unchanged base first): chr18-46577768-TG-T. GRCh37 (hg19) VCF-style: chr18-44157731-TG-T.
Other names: c.1908del (NM_144612.6); c.1908del, p.Asp636fs (NM_144612.7); short protein forms D636fs.
Identifiers: ClinVar variation 1076560 (VCV001076560.8), dbSNP rs2144134166, ClinGen allele CA2499225165.
Genomic context (GRCh38, chr18:46,577,768, plus strand): 5'-TGAGACATGGGAACTCCACGTTGTCGCTCTCAGGCTGCCCCTCCTCTCTCACCAGCACTC[TG>T]TCCAGGTACCAGCCGCTGCCGGAGCCTTTGCCATCGTGTCTGATCCTCACCCGCCTCACA-3'